The following is an entry in ClinVar:

NM_005502.4(ABCA1):c.1609G>A (p.Val537Met)

Gene: ABCA1 (ATP binding cassette subfamily A member 1; minus strand). Cytogenetic location: 9q31.1.
Variant type: single nucleotide variant.
Coding change: c.1609G>A on transcript NM_005502.4 (MANE Select); coding-DNA position 1609, G replaced by A.
Protein change: p.Val537Met; replaces valine 537 with methionine.
Molecular consequence: missense variant.
Genome position (GRCh38, 1-based): chr9:104,831,728, C>T on the plus strand (G>A on the coding strand, the complement: ABCA1 is on the minus strand). VCF-style: chr9-104831728-C-T. GRCh37 (hg19) VCF-style: chr9-107594009-C-T.
Other names: short protein forms V537M.
Identifiers: ClinVar variation 1371471 (VCV001371471.6), dbSNP rs2119006674, ClinGen allele CA374324802.

ClinVar aggregate classification (germline): Uncertain significance (1 of 4 stars; one submission).

Allele frequency attached by ClinVar (database versions not stated): gnomAD exomes below 0.00001.
gnomAD v4.1: 1 of 1,614,188 alleles (0.000062%); highest among the groups gnomAD compares: South Asian, 0.0011%; no homozygotes.

Submission:

Labcorp Genetics (formerly Invitae), Labcorp
Classification: Uncertain significance. Last evaluated: 2022-10-17. Review status: criteria provided, single submitter. Criteria: Invitae Variant Classification Sherloc (09022015). Collection method: clinical testing. Allele origin: germline.
Comment: Advanced modeling of protein sequence and biophysical properties (such as structural, functional, and spatial information, amino acid conservation, physicochemical variation, residue mobility, and thermodynamic stability) has been performed at Invitae for this missense variant, however the output from this modeling did not meet the statistical confidence thresholds required to predict the impact of this variant on ABCA1 protein function. In summary, the available evidence is currently insufficient to determine the role of this variant in disease. Therefore, it has been classified as a Variant of Uncertain Significance. ClinVar contains an entry for this variant (Variation ID: 1371471). This variant has not been reported in the literature in individuals affected with ABCA1-related conditions. This variant is not present in population databases (gnomAD no frequency). This sequence change replaces valine, which is neutral and non-polar, with methionine, which is neutral and non-polar, at codon 537 of the ABCA1 protein (p.Val537Met).